The following is an entry in ClinVar:

ClinVar aggregate classification (germline): Uncertain significance (1 of 4 stars; one submission).

Conditions:
Malignant hyperthermia, susceptibility to, 1 (MHS1). Also called: RYR1-Related Malignant Hyperthermia Susceptibility; Anesthesia related hyperthermia; Malignant hyperpyrexia; Fulminating hyperpyrexia; Pharmacogenic myopathy; Malignant hyperthermia suceptibility 1. Identifiers: Orphanet 423, MedGen C2930980, MONDO:0007783, OMIM 145600.

Submission:

All of Us Research Program, National Institutes of Health
Classification: Uncertain significance for Malignant hyperthermia, susceptibility to, 1. Last evaluated: 2022-11-28. Review status: criteria provided, single submitter. Criteria: ACMG Guidelines, 2015. Collection method: clinical testing. Allele origin: germline. Inheritance: Autosomal dominant inheritance. Observed: 1 variant allele, 1 heterozygote.
Comment: This study involves interpretation of variants in research participants for the purpose of population health screening. Participant phenotype was not available at the time of variant classification. Additional details can be found in publication PMID: 35346344, PMCID: PMC8962531

NM_000540.3(RYR1):c.3543T>G (p.Ile1181Met)

Gene: RYR1 (ryanodine receptor 1; plus strand). Cytogenetic location: 19q13.2.
Variant type: single nucleotide variant.
Coding change: c.3543T>G on transcript NM_000540.3 (MANE Select); coding-DNA position 3543, T replaced by G.
Protein change: p.Ile1181Met; replaces isoleucine 1181 with methionine.
Molecular consequence: missense variant.
Genome position (GRCh38, 1-based): chr19:38,469,127, T>G. VCF-style: chr19-38469127-T-G. GRCh37 (hg19) VCF-style: chr19-38959767-T-G.
Other names: c.3543T>G, p.Ile1181Met (NM_001042723.2); short protein forms I1181M.
Identifiers: ClinVar variation 3069307 (VCV003069307.1), dbSNP rs2514114312, ClinGen allele CA405638887.
Genomic context (GRCh38, chr19:38,469,127, plus strand): 5'-CACCCTCAATGGCGAGGTCCTCATGTCTGACTCAGGCTCCGAAACAGCCTTCCGGGAGAT[T>G]GAGATTGGGGACGGTGAGGGCTGAGACCCCTTCACATGCCCTTTCTTGTTTTCCTCTGTC-3'
Protein context (NP_000531.2, residues 1171-1191): DSGSETAFRE[Ile1181Met]EIGDGFLPVC